The following is an entry in ClinVar:

NM_001267550.2(TTN):c.47802_47803dup (p.Ser15935fs)

Genes: TTN-AS1 (TTN antisense RNA 1; plus strand), TTN (titin; minus strand). Cytogenetic location: 2q31.2.
Variant type: Duplication.
Coding change: c.47802_47803dup on transcript NM_001267550.2 (MANE Select); coding-DNA positions 47802 to 47803, 2 bases duplicated (AT; older notation c.47802_47803dupAT).
Protein change: p.Ser15935fs; shifts the reading frame from serine 15935.
Molecular consequence: frameshift variant.
Genome position (GRCh38, 1-based): chr2:178,617,192-178,617,193, AT duplicated on the plus strand (AT on the coding strand, the reverse complement: TTN is on the minus strand); duplicating any 2 consecutive bases within chr2:178,617,192-178,617,194 gives the same sequence; the c. name uses the placement nearest the transcript's 3' end. VCF-style (leftmost placement, unchanged base first): chr2-178617191-G-GAT. GRCh37 (hg19) VCF-style: chr2-179481918-G-GAT.
Other names: c.47802_47803dupAT (NM_001267550.1); c.42879_42880dup, p.Ser14294fs (NM_001256850.1); c.20607_20608dup, p.Ser6870fs (NM_003319.4); c.40098_40099dup, p.Ser13367fs (NM_133378.4); c.20982_20983dup, p.Ser6995fs (NM_133432.3); c.21183_21184dup, p.Ser7062fs (NM_133437.4); short protein forms S13367fs, S14294fs, S15935fs, S6870fs, S6995fs, S7062fs.
Identifiers: ClinVar variation 3377023 (VCV003377023.1).

ClinVar aggregate classification (germline): Likely pathogenic (1 of 4 stars; one submission).

Conditions:
Dilated cardiomyopathy 1G (CMD1G). Identifiers: Orphanet 154, MedGen C1858763, MONDO:0011400, OMIM 604145.

Submission:

Victorian Clinical Genetics Services, Murdoch Childrens Research Institute
Classification: Likely pathogenic for Dilated cardiomyopathy 1G. Last evaluated: 2024-10-09. Review status: criteria provided, single submitter. Criteria: ACMG Guidelines, 2015. Collection method: clinical testing. Allele origin: germline. Inheritance: Autosomal dominant inheritance. Affected: yes.
Comment: Based on the classification scheme VCGS_Germline_v1.3.5, this variant is classified as Likely pathogenic. Following criteria are met: 0102 - Loss of function is a known mechanism of disease in this gene. In addition, dominant-negative is also a suggested mechanism (PMID: 25589632). (I) 0108 - This gene is associated with both recessive and dominant disease (OMIM). (I) 0112 - The condition associated with this gene has incomplete penetrance. Variants in this gene that result in a premature truncating codon (PTC) are known to have reduced penetrance in dilated cardiomyopathy (PMID: 25589632). (I) 0201 - Variant is predicted to cause nonsense-mediated decay (NMD) and loss of protein (premature termination codon is located at least 54 nucleotides upstream of the final exon-exon junction). (SP) 0251 - Variant is heterozygous. (I) 0301 - Variant is absent from gnomAD (v2, v3 and v4). (SP) 0600 - Variant is located in the annotated A-band and the exon has a PSI score of 100% (PMID: 25589632). (I) 0702 - Other NMD-predicted variants comparable to the one identified in this case have strong previous evidence for pathogenicity (DECIPHER). (SP) 0807 - This variant has no previous evidence of pathogenicity. (I) 0905 - No published segregation evidence has been identified for this variant. (I) 1007 - No published functional evidence has been identified for this variant. (I) 1208 - Inheritance information for this variant is not currently available in this individual. (I) Legend: (SP) - Supporting pathogenic, (I) - Information, (SB) - Supporting benign

Literature cited by the submitters: PubMed 25589632.